The following is an entry in ClinVar:

NM_153252.5(BRWD3):c.2032T>G (p.Ser678Ala)

Gene: BRWD3 (bromodomain and WD repeat domain containing 3; minus strand). Cytogenetic location: Xq21.1.
Variant type: single nucleotide variant.
Coding change: c.2032T>G on transcript NM_153252.5 (MANE Select); coding-DNA position 2032, T replaced by G.
Protein change: p.Ser678Ala; replaces serine 678 with alanine.
Molecular consequence: missense variant.
Genome position (GRCh38, 1-based): chrX:80,719,501, A>C on the plus strand (T>G on the coding strand, the complement: BRWD3 is on the minus strand). VCF-style: chrX-80719501-A-C. GRCh37 (hg19) VCF-style: chrX-79975000-A-C.
Other names: c.2032T>G, p.Ser678Ala (NM_001441339.1); short protein forms S678A.
Identifiers: ClinVar variation 5020551 (VCV005020551.1).

ClinVar aggregate classification (germline): Uncertain significance (1 of 4 stars; one submission).

Submission:

Dasa
Classification: Uncertain significance. Last evaluated: 2026-05-18. Review status: criteria provided, single submitter. Criteria: DASA Assertion Criteria. Collection method: clinical testing. Allele origin: germline.
Comment: NM_153252.5(BRWD3):c.2032T>G (p.Ser678Ala) is a missense variant that results in the substitution of serine with alanine. This variant is rare in population databases. Computational prediction algorithms are consistent with a benign effect. The currently available literature and clinical evidence are not sufficient to establish a definitive association between this variant and the reported condition. Therefore, this variant is classified as a variant of uncertain significance.